The following is an entry in ClinVar:

ClinVar aggregate classification (germline): Pathogenic (1 of 4 stars; one submission).

Conditions:
Aicardi-Goutieres syndrome 5. Identifiers: Orphanet 51, MedGen C2749659, MONDO:0013059, OMIM 612952.

Submission:

Labcorp Genetics (formerly Invitae), Labcorp
Classification: Pathogenic for Aicardi-Goutieres syndrome 5. Last evaluated: 2022-02-10. Review status: criteria provided, single submitter. Criteria: Invitae Variant Classification Sherloc (09022015). Collection method: clinical testing. Allele origin: germline.
Comment: For these reasons, this variant has been classified as Pathogenic. This variant disrupts a region of the SAMHD1 protein in which other variant(s) (p.Ile201Asn) have been determined to be pathogenic (PMID: 19525956, 20653736, 22461318, 22973040, 27604406, 28229507). This suggests that this is a clinically significant region of the protein, and that variants that disrupt it are likely to be disease-causing. This variant has not been reported in the literature in individuals affected with SAMHD1-related conditions. This variant is not present in population databases (gnomAD no frequency). This variant results in the deletion of part of exon 5 (c.602_625+196delinsGAAATT) of the SAMHD1 gene. It is expected to disrupt RNA splicing. Variants that disrupt the donor or acceptor splice site typically lead to a loss of protein function (PMID: 16199547), and loss-of-function variants in SAMHD1 are known to be pathogenic (PMID: 19525956, 22461318).

Literature cited by the submitters: PubMed 19525956; PubMed 20653736; PubMed 22461318; PubMed 22973040; PubMed 27604406; PubMed 28229507; PubMed 16199547.

NM_015474.4(SAMHD1):c.602_625+196delinsGAAATT

Gene: SAMHD1 (SAM and HD domain containing deoxynucleoside triphosphate triphosphohydrolase 1; minus strand). Cytogenetic location: 20q11.23.
Variant type: Indel.
Coding change: c.602_625+196delinsGAAATT on transcript NM_015474.4 (MANE Select); coding-DNA position 602 through 196 bases into the intron after coding-DNA position 625, the reference bases replaced by GAAATT.
Molecular consequence: splice donor variant.
Genome position (GRCh38, 1-based): chr20:36,930,564-36,930,783, 220 bases replaced. GRCh37 (hg19): chr20:35,558,967-35,559,186.
Other names: c.602_625+196delinsGAAATT (NM_001363729.2, NM_001363733.2).
Identifiers: ClinVar variation 1459517 (VCV001459517.6), dbSNP rs2146131738, ClinGen allele CA2573157081.